The following is an entry in ClinVar:

ClinVar aggregate classification (germline): Uncertain significance (1 of 4 stars; one submission).

Conditions:
Gastrointestinal stromal tumor. Also called: Gastrointestinal stroma tumor; Gastrointestinal stromal tumor, somatic. Identifiers: Orphanet 44890, MedGen C0238198, MeSH D046152, MONDO:0011719, OMIM 606764, HP:0100723.
Pheochromocytoma/paraganglioma syndrome 4. Also called: CAROTID BODY TUMORS AND MULTIPLE EXTRAADRENAL PHEOCHROMOCYTOMAS; SDHB-Related Hereditary Paraganglioma-Pheochromocytoma Syndrome; PARAGANGLIOMA, FAMILIAL MALIGNANT; PARAGANGLIOMAS, HEREDITARY EXTRAADRENAL; PHEOCHROMOCYTOMA, FAMILIAL EXTRAADRENAL; Paragangliomas 4. Identifiers: Orphanet 29072, MedGen C1861848, MONDO:0007273, OMIM 115310.
Pheochromocytoma. Also called: MAX-Related Hereditary Paraganglioma-Pheochromocytoma Syndrome. Identifiers: Orphanet 29072, MedGen C0031511, MONDO:0008233, OMIM 171300, HP:0002666.

Allele frequency attached by ClinVar (database versions not stated): TOPMed below 0.00001.
gnomAD v4.1: 6 of 1,613,956 alleles (0.00037%); highest among the groups gnomAD compares: Non-Finnish European, 0.00051%; no homozygotes.

Submission:

Labcorp Genetics (formerly Invitae), Labcorp
Classification: Uncertain significance for Gastrointestinal stromal tumor; Pheochromocytoma/paraganglioma syndrome 4; Pheochromocytoma. Last evaluated: 2024-11-05. Review status: criteria provided, single submitter. Criteria: Invitae Variant Classification Sherloc (09022015). Collection method: clinical testing. Allele origin: germline.
Comment: This sequence change replaces lysine, which is basic and polar, with threonine, which is neutral and polar, at codon 205 of the SDHB protein (p.Lys205Thr). This variant is not present in population databases (gnomAD no frequency). This variant has not been reported in the literature in individuals affected with SDHB-related conditions. ClinVar contains an entry for this variant (Variation ID: 1472194). Invitae Evidence Modeling of protein sequence and biophysical properties (such as structural, functional, and spatial information, amino acid conservation, physicochemical variation, residue mobility, and thermodynamic stability) indicates that this missense variant is not expected to disrupt SDHB protein function with a negative predictive value of 80%. In summary, the available evidence is currently insufficient to determine the role of this variant in disease. Therefore, it has been classified as a Variant of Uncertain Significance.

NM_003000.3(SDHB):c.614A>C (p.Lys205Thr)

Gene: SDHB (succinate dehydrogenase complex iron sulfur subunit B; minus strand). Cytogenetic location: 1p36.13.
Variant type: single nucleotide variant.
Coding change: c.614A>C on transcript NM_003000.3 (MANE Select); coding-DNA position 614, A replaced by C.
Protein change: p.Lys205Thr; replaces lysine 205 with threonine.
Molecular consequence: missense variant.
Genome position (GRCh38, 1-based): chr1:17,024,001, T>G on the plus strand (A>C on the coding strand, the complement: SDHB is on the minus strand). VCF-style: chr1-17024001-T-G. GRCh37 (hg19) VCF-style: chr1-17350496-T-G.
Other names: short protein forms K205T.
Identifiers: ClinVar variation 1472194 (VCV001472194.8), dbSNP rs774090318, ClinGen allele CA338270985.